The following is an entry in ClinVar:

ClinVar aggregate classification (germline): Pathogenic. Review status: criteria provided, multiple submitters, no conflicts (2 of 4 stars). 2 submissions from 2 submitters: Pathogenic (2). Last evaluated 2026-03-31.

Conditions:
Hereditary cancer-predisposing syndrome. Also called: Tumor predisposition; Hereditary Cancer Syndrome; Neoplastic Syndromes, Hereditary; Hereditary neoplastic syndrome. Identifiers: Orphanet 140162, MedGen C0027672, MeSH D009386, MONDO:0015356.
Familial cancer of breast. Also called: hereditary breast carcinoma; Hereditary breast cancer; BREAST CANCER, FAMILIAL. Identifiers: Orphanet 227535, MedGen C0346153, MONDO:0016419, OMIM 114480. Disease mechanism: loss of function.

Submissions (2):

Ambry Genetics
Classification: Pathogenic for Hereditary cancer-predisposing syndrome. Last evaluated: 2026-03-31. Review status: criteria provided, single submitter. Criteria: Ambry Variant Classification Scheme 2023. Collection method: clinical testing. Allele origin: germline.
Comment: The c.274dupA pathogenic mutation, located in coding exon 4 of the PALB2 gene, results from a duplication of A at nucleotide position 274, causing a translational frameshift with a predicted alternate stop codon (p.T92Nfs*10). This variant is considered to be rare based on population cohorts in the Genome Aggregation Database (gnomAD). This alteration is expected to result in loss of function by premature protein truncation or nonsense-mediated mRNA decay. As such, this alteration is interpreted as a disease-causing mutation.

Labcorp Genetics (formerly Invitae), Labcorp
Classification: Pathogenic for Familial cancer of breast. Last evaluated: 2021-12-26. Review status: criteria provided, single submitter. Criteria: Invitae Variant Classification Sherloc (09022015). Collection method: clinical testing. Allele origin: germline.
Comment: This sequence change creates a premature translational stop signal (p.Thr92Asnfs*10) in the PALB2 gene. It is expected to result in an absent or disrupted protein product. Loss-of-function variants in PALB2 are known to be pathogenic (PMID: 17200668, 17200671, 17200672, 24136930, 25099575). This variant is not present in population databases (gnomAD no frequency). This variant has not been reported in the literature in individuals affected with PALB2-related conditions. ClinVar contains an entry for this variant (Variation ID: 570503). For these reasons, this variant has been classified as Pathogenic.

Literature cited by the submitters: PubMed 17200668 (cited by Labcorp Genetics (formerly Invitae), Labcorp); PubMed 17200671 (cited by Labcorp Genetics (formerly Invitae), Labcorp); PubMed 17200672 (cited by Labcorp Genetics (formerly Invitae), Labcorp); PubMed 24136930 (cited by Labcorp Genetics (formerly Invitae), Labcorp); PubMed 25099575 (cited by Labcorp Genetics (formerly Invitae), Labcorp).

NM_024675.4(PALB2):c.274dup (p.Thr92fs)

Gene: PALB2 (partner and localizer of BRCA2; minus strand). Cytogenetic location: 16p12.2.
Variant type: Duplication.
Coding change: c.274dup on transcript NM_024675.4 (MANE Select); coding-DNA position 274, one base duplicated (A; older notation c.274dupA).
Protein change: p.Thr92fs; shifts the reading frame from threonine 92.
Molecular consequence: frameshift variant.
Genome position (GRCh38, 1-based): chr16:23,636,272, T duplicated on the plus strand (A on the coding strand, the reverse complement: PALB2 is on the minus strand); the first of 3 consecutive T bases (chr16:23,636,272-23,636,274); duplicating any one gives the same sequence. VCF-style (leftmost placement, unchanged base first): chr16-23636271-G-GT. GRCh37 (hg19) VCF-style: chr16-23647592-G-GT.
Other names: c.274dupA (NM_024675.3); short protein forms T92fs.
Identifiers: ClinVar variation 570503 (VCV000570503.9), dbSNP rs1567223192, ClinGen allele CA891843630.